The following is an entry in ClinVar:

ClinVar aggregate classification (germline): Benign/Likely benign. Review status: criteria provided, multiple submitters, no conflicts (2 of 4 stars). 4 submissions from 4 submitters: Benign (1); Likely benign (3). Last evaluated 2024-10-01.

Conditions:
Hereditary cancer-predisposing syndrome. Also called: Neoplastic Syndromes, Hereditary; Tumor predisposition; Hereditary neoplastic syndrome; Hereditary Cancer Syndrome. Identifiers: Orphanet 140162, MedGen C0027672, MeSH D009386, MONDO:0015356.
Familial cancer of breast. Also called: BREAST CANCER, FAMILIAL; Hereditary breast cancer; hereditary breast carcinoma. Identifiers: Orphanet 227535, MedGen C0346153, MONDO:0016419, OMIM 114480. Disease mechanism: loss of function.

Submissions (4):

Myriad Genetics, Inc.
Classification: Benign for Familial cancer of breast. Last evaluated: 2024-10-01. Review status: criteria provided, single submitter. Criteria: Myriad Autosomal Dominant, Autosomal Recessive and X-Linked Classification Criteria (2023). Collection method: clinical testing. Allele origin: unknown.
Comment: This variant is considered benign. This variant is a silent/synonymous amino acid change and it is not expected to impact splicing.

Labcorp Genetics (formerly Invitae), Labcorp
Classification: Likely benign for Familial cancer of breast. Last evaluated: 2022-08-18. Review status: criteria provided, single submitter. Criteria: Invitae Variant Classification Sherloc (09022015). Collection method: clinical testing. Allele origin: germline.

Ambry Genetics
Classification: Likely benign for Hereditary cancer-predisposing syndrome. Last evaluated: 2019-08-03. Review status: criteria provided, single submitter. Criteria: Ambry Variant Classification Scheme 2023. Collection method: clinical testing. Allele origin: germline.

GeneDx
Classification: Likely benign. Last evaluated: 2018-04-04. Review status: criteria provided, single submitter. Criteria: GeneDx Variant Classification (06012015). Collection method: clinical testing. Allele origin: germline. Affected: yes.
Comment: This variant is considered likely benign or benign based on one or more of the following criteria: it is a conservative change, it occurs at a poorly conserved position in the protein, it is predicted to be benign by multiple in silico algorithms, and/or has population frequency not consistent with disease.

NM_007194.4(CHEK2):c.204T>C (p.Thr68=)

Gene: CHEK2 (checkpoint kinase 2; minus strand). Cytogenetic location: 22q12.1.
Variant type: single nucleotide variant.
Coding change: c.204T>C on transcript NM_007194.4 (MANE Select); coding-DNA position 204, T replaced by C.
Protein change: p.Thr68=; no amino-acid change (threonine 68 retained).
Molecular consequence: synonymous variant.
Genome position (GRCh38, 1-based): chr22:28,734,518, A>G on the plus strand (T>C on the coding strand, the complement: CHEK2 is on the minus strand). VCF-style: chr22-28734518-A-G. GRCh37 (hg19) VCF-style: chr22-29130506-A-G.
Other names: c.204T>C, p.Thr68= (NM_001005735.3, NM_001349956.3, NM_145862.3); c.-574T>C (NM_001257387.3).
Identifiers: ClinVar variation 681738 (VCV000681738.15), dbSNP rs1601852195, ClinGen allele CA513946482.